The following is an entry in ClinVar:

ClinVar aggregate classification (germline): Uncertain significance (1 of 4 stars; one submission).

gnomAD v4.1: 149 of 1,614,112 alleles (0.0092%); highest among the groups gnomAD compares: African/African-American, 0.029%; no homozygotes.

Submission:

Women's Health and Genetics/Laboratory Corporation of America, LabCorp
Classification: Uncertain significance. Last evaluated: 2024-09-09. Review status: criteria provided, single submitter. Criteria: LabCorp Variant Classification Summary - May 2015. Collection method: clinical testing. Allele origin: germline.
Comment: Variant summary: LAMA3 c.1295G>A (p.Arg432Gln) results in a conservative amino acid change in the encoded protein sequence. Five of five in-silico tools predict a benign effect of the variant on protein function. The variant allele was found at a frequency of 0.00012 in 251412 control chromosomes. This frequency is not significantly higher than estimated for a pathogenic variant in LAMA3 causing Junctional Epidermolysis Bullosa (0.00012 vs 0.00087), allowing no conclusion about variant significance. c.1295G>A has been reported in the literature in at-least one family affected with dystrophic epidermolysis bullosa, however also had two other pathogenic variants in COL7A1 (ex.Tenedini_2015). These report(s) do not provide unequivocal conclusions about association of the variant with Junctional Epidermolysis Bullosa. To our knowledge, no experimental evidence demonstrating an impact on protein function has been reported. The following publication has been ascertained in the context of this evaluation (PMID: 25913354). No submitters have cited clinical-significance assessments for this variant to ClinVar. Based on the evidence outlined above, the variant was classified as uncertain significance.

Literature cited by the submitters: PubMed 25913354.

NM_198129.4(LAMA3):c.6122G>A (p.Arg2041Gln)

Gene: LAMA3 (laminin subunit alpha 3; plus strand). Cytogenetic location: 18q11.2.
Variant type: single nucleotide variant.
Coding change: c.6122G>A on transcript NM_198129.4 (MANE Select); coding-DNA position 6122, G replaced by A.
Protein change: p.Arg2041Gln; replaces arginine 2041 with glutamine.
Molecular consequence: missense variant.
Genome position (GRCh38, 1-based): chr18:23,901,244, G>A. VCF-style: chr18-23901244-G-A. GRCh37 (hg19) VCF-style: chr18-21481208-G-A.
Other names: c.1295G>A, p.Arg432Gln (NM_000227.6); c.5954G>A, p.Arg1985Gln (NM_001127717.4); c.1127G>A, p.Arg376Gln (NM_001127718.4); short protein forms R1985Q, R2041Q, R376Q, R432Q.
Identifiers: ClinVar variation 3374995 (VCV003374995.1).